The following is an entry in ClinVar:

ClinVar aggregate classification (germline): Uncertain significance (1 of 4 stars; one submission).

Submission:

Ambry Genetics
Classification: Uncertain significance. Last evaluated: 2024-08-30. Review status: criteria provided, single submitter. Criteria: Ambry Variant Classification Scheme 2023. Collection method: clinical testing. Allele origin: germline.
Comment: The p.V2048L variant (also known as c.6142G>T), located in coding exon 19 of the POLQ gene, results from a G to T substitution at nucleotide position 6142. The valine at codon 2048 is replaced by leucine, an amino acid with highly similar properties. This amino acid position is conserved. In addition, this alteration is predicted to be tolerated by in silico analysis. Based on the available evidence, the clinical significance of this variant remains unclear.

NM_199420.4(POLQ):c.6142G>T (p.Val2048Leu)

Gene: POLQ (DNA polymerase theta; minus strand). Cytogenetic location: 3q13.33.
Variant type: single nucleotide variant.
Coding change: c.6142G>T on transcript NM_199420.4 (MANE Select); coding-DNA position 6142, G replaced by T.
Protein change: p.Val2048Leu; replaces valine 2048 with leucine.
Molecular consequence: missense variant.
Genome position (GRCh38, 1-based): chr3:121,481,641, C>A on the plus strand (G>T on the coding strand, the complement: POLQ is on the minus strand). VCF-style: chr3-121481641-C-A. GRCh37 (hg19) VCF-style: chr3-121200488-C-A.
Other names: short protein forms V2048L.
Identifiers: ClinVar variation 3422387 (VCV003422387.1).